The following is an entry in ClinVar:

NM_004621.6(TRPC6):c.1156C>T (p.Gln386Ter)

Gene: TRPC6 (transient receptor potential cation channel subfamily C member 6; minus strand). Cytogenetic location: 11q22.1.
Variant type: single nucleotide variant.
Coding change: c.1156C>T on transcript NM_004621.6 (MANE Select); coding-DNA position 1156, C replaced by T.
Protein change: p.Gln386Ter; replaces glutamine 386 with a stop codon.
Molecular consequence: nonsense.
Genome position (GRCh38, 1-based): chr11:101,489,074, G>A on the plus strand (C>T on the coding strand, the complement: TRPC6 is on the minus strand). VCF-style: chr11-101489074-G-A. GRCh37 (hg19) VCF-style: chr11-101359805-G-A.
Other names: short protein forms Q386*.
Identifiers: ClinVar variation 1712378 (VCV001712378.3), dbSNP rs1295883553, ClinGen allele CA382443641.

ClinVar aggregate classification (germline): Conflicting classifications of pathogenicity. Review status: criteria provided, conflicting classifications (1 of 4 stars). 2 submissions from 2 submitters: Likely pathogenic (1); Uncertain significance (1). Last evaluated 2026-05-26.

Conditions:
TRPC6-related disorder. Also called: TRPC6-related condition.
Focal segmental glomerulosclerosis (FSGS). Also called: Glomerulosclerosis, focal; Focal sclerosis with hyalinosis. Identifiers: MedGen C0017668, MONDO:0100313, HP:0000097. Disease mechanism: loss of function.

Submissions (2):

PreventionGenetics, part of Exact Sciences
Classification: Likely pathogenic for TRPC6-related condition. Last evaluated: 2026-05-26. Review status: criteria provided, single submitter. Criteria: ACMG Guidelines, 2015. Collection method: clinical testing. Allele origin: germline.
Comment: The TRPC6 c.1156C>T variant is predicted to result in premature protein termination (p.Gln386*). To our knowledge, this variant has not been reported in the literature or in a large population database (gnomAD), indicating this variant is rare. Nonsense variants in TRPC6 are expected to be pathogenic. This variant is interpreted as likely pathogenic.

Genome Diagnostics Laboratory, The Hospital for Sick Children
Classification: Uncertain significance for Focal segmental glomerulosclerosis. Last evaluated: 2022-06-27. Review status: criteria provided, single submitter. Criteria: ACMG Guidelines, 2015. Collection method: clinical testing. Allele origin: germline.